The following is an entry in ClinVar:

NM_003321.5(TUFM):c.1271G>A (p.Arg424His)

Gene: TUFM (Tu translation elongation factor, mitochondrial; minus strand). Cytogenetic location: 16p11.2.
Variant type: single nucleotide variant.
Coding change: c.1271G>A on transcript NM_003321.5 (MANE Select); coding-DNA position 1271, G replaced by A.
Protein change: p.Arg424His; replaces arginine 424 with histidine.
Molecular consequence: missense variant.
Genome position (GRCh38, 1-based): chr16:28,843,072, C>T on the plus strand (G>A on the coding strand, the complement: TUFM is on the minus strand). VCF-style: chr16-28843072-C-T. GRCh37 (hg19) VCF-style: chr16-28854393-C-T.
Other names: c.1187G>A, p.Arg396His (NM_001365360.2); short protein forms R396H, R424H.
Identifiers: ClinVar variation 1193332 (VCV001193332.10), dbSNP rs771893374, ClinGen allele CA7985355.

ClinVar aggregate classification (germline): Uncertain significance. Review status: criteria provided, multiple submitters, no conflicts (2 of 4 stars). 2 submissions from 2 submitters: Uncertain significance (2). Last evaluated 2022-12-02.

Allele frequency attached by ClinVar (database versions not stated): gnomAD exomes 0.00001 and 0.00004; ExAC 0.00002; TOPMed 0.00003; gnomAD 0.00004.
gnomAD v4.1: 24 of 1,614,084 alleles (0.0015%); highest among the groups gnomAD compares: Admixed American, 0.015%; no homozygotes.

Submissions (2):

Labcorp Genetics (formerly Invitae), Labcorp
Classification: Uncertain significance. Last evaluated: 2022-12-02. Review status: criteria provided, single submitter. Criteria: Invitae Variant Classification Sherloc (09022015). Collection method: clinical testing. Allele origin: germline.
Comment: In summary, the available evidence is currently insufficient to determine the role of this variant in disease. Therefore, it has been classified as a Variant of Uncertain Significance. This sequence change replaces arginine, which is basic and polar, with histidine, which is basic and polar, at codon 424 of the TUFM protein (p.Arg424His). This variant is present in population databases (rs771893374, gnomAD 0.01%). This variant has not been reported in the literature in individuals affected with TUFM-related conditions. ClinVar contains an entry for this variant (Variation ID: 1193332). Advanced modeling of protein sequence and biophysical properties (such as structural, functional, and spatial information, amino acid conservation, physicochemical variation, residue mobility, and thermodynamic stability) performed at Invitae indicates that this missense variant is not expected to disrupt TUFM protein function.

GeneDx
Classification: Uncertain significance. Last evaluated: 2021-07-06. Review status: criteria provided, single submitter. Criteria: GeneDx Variant Classification Process June 2021. Collection method: clinical testing. Allele origin: germline. Affected: yes.
Comment: In silico analysis supports that this missense variant has a deleterious effect on protein structure/function; Has not been previously published as pathogenic or benign to our knowledge